The following is an entry in ClinVar:

ClinVar aggregate classification (germline): Uncertain significance (1 of 4 stars; one submission).

Conditions:
Sifrim-Hitz-Weiss syndrome (SIHIWES). Also called: CHD4 Neurodevelopmental Disorder; SIFRIM-HITZ-WEISS MULTIPLE CONGENITAL ANOMALIES-MENTAL RETARDATION SYNDROME. Identifiers: Orphanet 653712, MedGen C4310688, MONDO:0014946, OMIM 617159.

Submission:

3billion
Classification: Uncertain significance for Sifrim-Hitz-Weiss syndrome. Last evaluated: 2024-08-27. Review status: criteria provided, single submitter. Criteria: ACMG Guidelines, 2015. Collection method: clinical testing. Allele origin: germline. Affected: yes.
Comment: The variant is not observed in the gnomAD v4.0.0 dataset. Predicted Consequence/Location: Missense changes are a common disease-causing mechanism. In silico tool predictions suggest damaging effect of the variant on gene or gene product [REVEL: 0.75 (>=0.6, sensitivity 0.68 and specificity 0.92); 3Cnet: 0.79 (>=0.6, sensitivity 0.72 and precision 0.9)]. Therefore, this variant is classified as VUS according to the recommendation of ACMG/AMP guideline.

NM_001273.5(CHD4):c.2465C>T (p.Ser822Phe)

Gene: CHD4 (chromodomain helicase DNA binding protein 4; minus strand). Cytogenetic location: 12p13.31.
Variant type: single nucleotide variant.
Coding change: c.2465C>T on transcript NM_001273.5 (MANE Select); coding-DNA position 2465, C replaced by T.
Protein change: p.Ser822Phe; replaces serine 822 with phenylalanine.
Molecular consequence: missense variant.
Genome position (GRCh38, 1-based): chr12:6,593,465, G>A on the plus strand (C>T on the coding strand, the complement: CHD4 is on the minus strand). VCF-style: chr12-6593465-G-A. GRCh37 (hg19) VCF-style: chr12-6702631-G-A.
Other names: c.2444C>T, p.Ser815Phe (NM_001297553.2); c.2426C>T, p.Ser809Phe (NM_001363606.2); short protein forms S809F, S815F, S822F.
Identifiers: ClinVar variation 4292722 (VCV004292722.1).
Genomic context (GRCh38, chr12:6,593,465, plus strand): 5'-CCCTGAGATACCTTCATGCGGGAGGCCTTCTTGCCACCACGAATGGCATTGTCTTCAAAG[G>A]AGAACTCATTCTCTCGGATGATGGCACGGCTGTCCTTGTCACCCACATAGGTTACGACAT-3'
Protein context (NP_001264.2, residues 812-832): SRAIIRENEF[Ser822Phe]FEDNAIRGGK